The following is an entry in ClinVar:

NM_001048174.2(MUTYH):c.706G>T (p.Gly236Cys)

Gene: MUTYH (mutY DNA glycosylase; minus strand). Cytogenetic location: 1p34.1.
Variant type: single nucleotide variant.
Coding change: c.706G>T on transcript NM_001048174.2 (MANE Select); coding-DNA position 706, G replaced by T.
Protein change: p.Gly236Cys; replaces glycine 236 with cysteine.
Molecular consequence: missense variant. On other transcripts: non-coding transcript variant (7).
Genome position (GRCh38, 1-based): chr1:45,332,309, C>A on the plus strand (G>T on the coding strand, the complement: MUTYH is on the minus strand). VCF-style: chr1-45332309-C-A. GRCh37 (hg19) VCF-style: chr1-45797981-C-A.
Other names: c.790G>T, p.Gly264Cys (NM_001128425.2); c.751G>T, p.Gly251Cys (NM_001293190.2); c.739G>T, p.Gly247Cys (NM_001293191.2, NM_001407069.1, NM_001407077.1); c.430G>T, p.Gly144Cys (NM_001293192.2, NM_001293196.2, NM_001407091.1); c.706G>T, p.Gly236Cys (NM_001293195.2, NM_001407081.1, NM_001407088.1 and 6 more transcripts); c.361G>T, p.Gly121Cys (NM_001350650.2, NM_001350651.2, NM_001407082.1); c.748G>T, p.Gly250Cys (NM_001407083.1, NM_001407085.1); c.709G>T, p.Gly237Cys (NM_001407086.1, NM_001048172.2, NM_001407071.1 and 1 more transcripts); and 5 more; short protein forms G208C, G222C, G236C, G243C, G121C, G223C, G237C, G247C.
Identifiers: ClinVar variation 4113845 (VCV004113845.2).

ClinVar aggregate classification (germline): Uncertain significance. Review status: criteria provided, multiple submitters, no conflicts (2 of 4 stars). 2 submissions from 2 submitters: Uncertain significance (2). Last evaluated 2026-01-25.

Conditions:
Familial adenomatous polyposis 2. Also called: COLORECTAL ADENOMATOUS POLYPOSIS, AUTOSOMAL RECESSIVE; ADENOMAS, MULTIPLE COLORECTAL, AUTOSOMAL RECESSIVE; MYH-associated polyposis; MUTYH-associated polyposis; MUTYH-related attenuated familial adenomatous polyposis; FAP type 2. Identifiers: Orphanet 220460, Orphanet 247798, MedGen C3272841, MONDO:0012041, OMIM 608456.
Hereditary cancer-predisposing syndrome. Also called: Tumor predisposition; Neoplastic Syndromes, Hereditary; Hereditary Cancer Syndrome; Hereditary neoplastic syndrome. Identifiers: Orphanet 140162, MedGen C0027672, MeSH D009386, MONDO:0015356.

Submissions (2):

Labcorp Genetics (formerly Invitae), Labcorp
Classification: Uncertain significance for Familial adenomatous polyposis 2. Last evaluated: 2026-01-25. Review status: criteria provided, single submitter. Criteria: Invitae Variant Classification Sherloc (09022015). Collection method: clinical testing. Allele origin: germline.
Comment: This sequence change replaces glycine, which is neutral and non-polar, with cysteine, which is neutral and slightly polar, at codon 264 of the MUTYH protein (p.Gly264Cys). This variant is not present in population databases (gnomAD no frequency). This variant has not been reported in the literature in individuals affected with MUTYH-related conditions. ClinVar contains an entry for this variant (Variation ID: 4113845). An algorithm developed to predict the effect of missense changes on protein structure and function (PolyPhen-2) suggests that this variant is likely to be disruptive. In summary, the available evidence is currently insufficient to determine the role of this variant in disease. Therefore, it has been classified as a Variant of Uncertain Significance.

Ambry Genetics
Classification: Uncertain significance for Hereditary cancer-predisposing syndrome. Last evaluated: 2025-08-27. Review status: criteria provided, single submitter. Criteria: Ambry Variant Classification Scheme 2023. Collection method: clinical testing. Allele origin: germline.
Comment: The p.G264C variant (also known as c.790G>T), located in coding exon 10 of the MUTYH gene, results from a G to T substitution at nucleotide position 790. The glycine at codon 264 is replaced by cysteine, an amino acid with highly dissimilar properties. This amino acid position is conserved. In addition, this alteration is predicted to be tolerated by in silico analysis. Based on the available evidence, the clinical significance of this variant remains unclear.